The following is an entry in ClinVar:

NM_001017980.4(VMA21):c.29A>G (p.Asn10Ser)

Gene: VMA21 (vacuolar ATPase assembly factor VMA21; plus strand). Cytogenetic location: Xq28.
Variant type: single nucleotide variant.
Coding change: c.29A>G on transcript NM_001017980.4 (MANE Select); coding-DNA position 29, A replaced by G.
Protein change: p.Asn10Ser; replaces asparagine 10 with serine.
Molecular consequence: missense variant. On other transcripts: intron variant (1).
Genome position (GRCh38, 1-based): chrX:151,397,337, A>G. VCF-style: chrX-151397337-A-G. GRCh37 (hg19) VCF-style: chrX-150565809-A-G.
Other names: c.218+280A>G (NM_001363810.1); short protein forms N10S.
Identifiers: ClinVar variation 576143 (VCV000576143.9), dbSNP rs1197341312, ClinGen allele CA415270798.

ClinVar aggregate classification (germline): Uncertain significance (1 of 4 stars; one submission).

Conditions:
X-linked myopathy with excessive autophagy (AVM). Also called: Vacuolar myopathy; Autophagic vacuolar myopathy. Identifiers: Orphanet 25980, MedGen C1839615, MONDO:0010684, OMIM 310440.

Allele frequency attached by ClinVar (database versions not stated): gnomAD exomes below 0.00001; gnomAD 0.00001.
gnomAD v4.1: 3 of 1,161,699 alleles (0.00026%); highest among the groups gnomAD compares: Non-Finnish European, 0.00034%; no homozygotes.

Submission:

Labcorp Genetics (formerly Invitae), Labcorp
Classification: Uncertain significance for X-linked myopathy with excessive autophagy. Last evaluated: 2025-12-16. Review status: criteria provided, single submitter. Criteria: Invitae Variant Classification Sherloc (09022015). Collection method: clinical testing. Allele origin: germline.
Comment: This sequence change replaces asparagine, which is neutral and polar, with serine, which is neutral and polar, at codon 10 of the VMA21 protein (p.Asn10Ser). This variant is present in population databases (no rsID available, gnomAD 0.01%). This variant has not been reported in the literature in individuals affected with VMA21-related conditions. ClinVar contains an entry for this variant (Variation ID: 576143). An algorithm developed to predict the effect of missense changes on protein structure and function outputs the following: PolyPhen-2: "Benign". The serine amino acid residue is found in multiple mammalian species, which suggests that this missense change does not adversely affect protein function. In summary, the available evidence is currently insufficient to determine the role of this variant in disease. Therefore, it has been classified as a Variant of Uncertain Significance.